The following is an entry in ClinVar:

NM_002979.5(SCP2):c.1277C>G (p.Ser426Cys)

Gene: SCP2 (sterol carrier protein 2; plus strand). Cytogenetic location: 1p32.3.
Variant type: single nucleotide variant.
Coding change: c.1277C>G on transcript NM_002979.5 (MANE Select); coding-DNA position 1277, C replaced by G.
Protein change: p.Ser426Cys; replaces serine 426 with cysteine.
Molecular consequence: missense variant.
Genome position (GRCh38, 1-based): chr1:53,028,010, C>G. VCF-style: chr1-53028010-C-G. GRCh37 (hg19) VCF-style: chr1-53493682-C-G.
Other names: c.65C>G, p.Ser22Cys (NM_001007099.3, NM_001007250.3); c.56C>G, p.Ser19Cys (NM_001007100.3); c.1205C>G, p.Ser402Cys (NM_001193599.2); c.1145C>G, p.Ser382Cys (NM_001193600.2); c.1034C>G, p.Ser345Cys (NM_001193617.2); short protein forms S382C, S19C, S22C, S345C, S402C, S426C.
Identifiers: ClinVar variation 1385223 (VCV001385223.4), dbSNP rs1662256967, ClinGen allele CA340377461.
Genomic context (GRCh38, chr1:53,028,010, plus strand): 5'-AACAGTTTCTTTTCCCCAGTTCTTTTAGAACTCATCAAATTGAAGCTGTTCCAACCAGCT[C>G]TGCAAGTGATGGATTTAAGGCAAATCTTGTTTTTAAGGAGATTGAGAAGAAACTTGAAGA-3'
Protein context (NP_002970.2, residues 416-436): THQIEAVPTS[Ser426Cys]ASDGFKANLV

ClinVar aggregate classification (germline): Uncertain significance (1 of 4 stars; one submission).

Allele frequency attached by ClinVar (database versions not stated): gnomAD exomes below 0.00001; TOPMed 0.00001.
gnomAD v4.1: 2 of 1,612,278 alleles (0.00012%); highest among the groups gnomAD compares: Non-Finnish European, 0.00017%; no homozygotes.

Submission:

Labcorp Genetics (formerly Invitae), Labcorp
Classification: Uncertain significance. Last evaluated: 2021-12-10. Review status: criteria provided, single submitter. Criteria: Invitae Variant Classification Sherloc (09022015). Collection method: clinical testing. Allele origin: germline.
Comment: In summary, the available evidence is currently insufficient to determine the role of this variant in disease. Therefore, it has been classified as a Variant of Uncertain Significance. Algorithms developed to predict the effect of missense changes on protein structure and function are either unavailable or do not agree on the potential impact of this missense change (SIFT: "Deleterious"; PolyPhen-2: "Benign"; Align-GVGD: "Class C0"). This variant has not been reported in the literature in individuals affected with SCP2-related conditions. This variant is not present in population databases (gnomAD no frequency). This sequence change replaces serine, which is neutral and polar, with cysteine, which is neutral and slightly polar, at codon 426 of the SCP2 protein (p.Ser426Cys).